The following is an entry in ClinVar:

NM_001920.5(DCN):c.856G>A (p.Gly286Ser)

Gene: DCN (decorin; minus strand). Cytogenetic location: 12q21.33.
Variant type: single nucleotide variant.
Coding change: c.856G>A on transcript NM_001920.5 (MANE Select); coding-DNA position 856, G replaced by A.
Protein change: p.Gly286Ser; replaces glycine 286 with serine.
Molecular consequence: missense variant. On other transcripts: intron variant (2).
Genome position (GRCh38, 1-based): chr12:91,151,683, C>T on the plus strand (G>A on the coding strand, the complement: DCN is on the minus strand). VCF-style: chr12-91151683-C-T. GRCh37 (hg19) VCF-style: chr12-91545460-C-T.
Other names: c.856G>A, p.Gly286Ser (NM_133503.4); c.529G>A, p.Gly177Ser (NM_133504.3); c.415G>A, p.Gly139Ser (NM_133505.3); c.212-5431G>A (NM_133507.3); c.325-5431G>A (NM_133506.3); short protein forms G177S, G139S, G286S.
Identifiers: ClinVar variation 2099010 (VCV002099010.4), dbSNP rs533448754, ClinGen allele CA386015951.

ClinVar aggregate classification (germline): Uncertain significance (1 of 4 stars; one submission).

gnomAD v4.1: 1 of 1,614,052 alleles (0.000062%); highest among the groups gnomAD compares: Non-Finnish European, 0.000085%; no homozygotes.

Submission:

Labcorp Genetics (formerly Invitae), Labcorp
Classification: Uncertain significance. Last evaluated: 2023-10-03. Review status: criteria provided, single submitter. Criteria: Invitae Variant Classification Sherloc (09022015). Collection method: clinical testing. Allele origin: germline.
Comment: This sequence change replaces glycine, which is neutral and non-polar, with serine, which is neutral and polar, at codon 286 of the DCN protein (p.Gly286Ser). This variant is not present in population databases (gnomAD no frequency). This variant has not been reported in the literature in individuals affected with DCN-related conditions. ClinVar contains an entry for this variant (Variation ID: 2099010). An algorithm developed to predict the effect of missense changes on protein structure and function (PolyPhen-2) suggests that this variant is likely to be tolerated. In summary, the available evidence is currently insufficient to determine the role of this variant in disease. Therefore, it has been classified as a Variant of Uncertain Significance.